The following is an entry in ClinVar:

ClinVar aggregate classification (germline): Conflicting classifications of pathogenicity. Review status: criteria provided, conflicting classifications (1 of 4 stars). 2 submissions from 2 submitters: Uncertain significance (1); Likely benign (1). Last evaluated 2025-09-01.

Conditions:
Hereditary cancer-predisposing syndrome. Also called: Neoplastic Syndromes, Hereditary; Tumor predisposition; Hereditary Cancer Syndrome; Hereditary neoplastic syndrome. Identifiers: Orphanet 140162, MedGen C0027672, MeSH D009386, MONDO:0015356.
Gastrointestinal stromal tumor. Also called: Gastrointestinal stromal tumor, somatic; Gastrointestinal stroma tumor. Identifiers: Orphanet 44890, MedGen C0238198, MeSH D046152, MONDO:0011719, OMIM 606764, HP:0100723.

gnomAD v4.1: 5 of 1,613,930 alleles (0.00031%); highest among the groups gnomAD compares: Non-Finnish European, 0.00042%; no homozygotes.

Submissions (2):

Labcorp Genetics (formerly Invitae), Labcorp
Classification: Uncertain significance for Gastrointestinal stromal tumor. Last evaluated: 2025-09-01. Review status: criteria provided, single submitter. Criteria: Invitae Variant Classification Sherloc (09022015). Collection method: clinical testing. Allele origin: germline.
Comment: This sequence change replaces isoleucine, which is neutral and non-polar, with valine, which is neutral and non-polar, at codon 935 of the KIT protein (p.Ile935Val). This variant is not present in population databases (gnomAD no frequency). This variant has not been reported in the literature in individuals affected with KIT-related conditions. ClinVar contains an entry for this variant (Variation ID: 1796237). An algorithm developed to predict the effect of missense changes on protein structure and function outputs the following: PolyPhen-2: "Benign". The valine amino acid residue is found in multiple mammalian species, which suggests that this missense change does not adversely affect protein function. In summary, the available evidence is currently insufficient to determine the role of this variant in disease. Therefore, it has been classified as a Variant of Uncertain Significance.

Ambry Genetics
Classification: Likely benign for Hereditary cancer-predisposing syndrome. Last evaluated: 2025-08-11. Review status: criteria provided, single submitter. Criteria: Ambry Variant Classification Scheme 2023. Collection method: clinical testing. Allele origin: germline.

NM_000222.3(KIT):c.2803A>G (p.Ile935Val)

Gene: KIT (KIT proto-oncogene, receptor tyrosine kinase; plus strand). Cytogenetic location: 4q12.
Variant type: single nucleotide variant.
Coding change: c.2803A>G on transcript NM_000222.3 (MANE Select); coding-DNA position 2803, A replaced by G.
Protein change: p.Ile935Val; replaces isoleucine 935 with valine.
Molecular consequence: missense variant.
Genome position (GRCh38, 1-based): chr4:54,738,429, A>G. VCF-style: chr4-54738429-A-G. GRCh37 (hg19) VCF-style: chr4-55604595-A-G.
Other names: c.2791A>G, p.Ile931Val (NM_001093772.2, NM_001385292.1); c.2806A>G, p.Ile936Val (NM_001385284.1); c.2800A>G, p.Ile934Val (NM_001385285.1); c.2788A>G, p.Ile930Val (NM_001385286.1); c.2794A>G, p.Ile932Val (NM_001385288.1); c.2803A>G, p.Ile935Val (NM_001385290.1); short protein forms I934V, I936V, I931V, I930V, I932V, I935V.
Identifiers: ClinVar variation 1796237 (VCV001796237.6), dbSNP rs2109818086, ClinGen allele CA356915645.